The following is an entry in ClinVar:

NM_024675.4(PALB2):c.1061C>A (p.Ser354Tyr)

Gene: PALB2 (partner and localizer of BRCA2; minus strand). Cytogenetic location: 16p12.2.
Variant type: single nucleotide variant.
Coding change: c.1061C>A on transcript NM_024675.4 (MANE Select); coding-DNA position 1061, C replaced by A.
Protein change: p.Ser354Tyr; replaces serine 354 with tyrosine.
Molecular consequence: missense variant.
Genome position (GRCh38, 1-based): chr16:23,635,485, G>T on the plus strand (C>A on the coding strand, the complement: PALB2 is on the minus strand). VCF-style: chr16-23635485-G-T. GRCh37 (hg19) VCF-style: chr16-23646806-G-T.
Other names: short protein forms S354Y.
Identifiers: ClinVar variation 846243 (VCV000846243.11), dbSNP rs1555461474, ClinGen allele CA395134072.

ClinVar aggregate classification (germline): Uncertain significance. Review status: criteria provided, multiple submitters, no conflicts (2 of 4 stars). 2 submissions from 2 submitters: Uncertain significance (2). Last evaluated 2025-09-10.

Conditions:
Familial cancer of breast. Also called: hereditary breast carcinoma; Hereditary breast cancer; BREAST CANCER, FAMILIAL. Identifiers: Orphanet 227535, MedGen C0346153, MONDO:0016419, OMIM 114480. Disease mechanism: loss of function.
Hereditary cancer-predisposing syndrome. Also called: Tumor predisposition; Hereditary neoplastic syndrome; Neoplastic Syndromes, Hereditary; Hereditary Cancer Syndrome. Identifiers: Orphanet 140162, MedGen C0027672, MeSH D009386, MONDO:0015356.

Submissions (2):

Ambry Genetics
Classification: Uncertain significance for Hereditary cancer-predisposing syndrome. Last evaluated: 2025-09-10. Review status: criteria provided, single submitter. Criteria: Ambry Variant Classification Scheme 2023. Collection method: clinical testing. Allele origin: germline.
Comment: The p.S354Y variant (also known as c.1061C>A), located in coding exon 4 of the PALB2 gene, results from a C to A substitution at nucleotide position 1061. The serine at codon 354 is replaced by tyrosine, an amino acid with dissimilar properties. This amino acid position is conserved. In addition, this alteration is predicted to be tolerated by in silico analysis. Based on the available evidence, the clinical significance of this variant remains unclear.

Labcorp Genetics (formerly Invitae), Labcorp
Classification: Uncertain significance for Familial cancer of breast. Last evaluated: 2024-04-11. Review status: criteria provided, single submitter. Criteria: Invitae Variant Classification Sherloc (09022015). Collection method: clinical testing. Allele origin: germline.
Comment: This sequence change replaces serine, which is neutral and polar, with tyrosine, which is neutral and polar, at codon 354 of the PALB2 protein (p.Ser354Tyr). This variant is present in population databases (no rsID available, gnomAD 0.01%). This variant has not been reported in the literature in individuals affected with PALB2-related conditions. ClinVar contains an entry for this variant (Variation ID: 846243). Advanced modeling of protein sequence and biophysical properties (such as structural, functional, and spatial information, amino acid conservation, physicochemical variation, residue mobility, and thermodynamic stability) performed at Invitae indicates that this missense variant is expected to disrupt PALB2 protein function with a positive predictive value of 80%. In summary, the available evidence is currently insufficient to determine the role of this variant in disease. Therefore, it has been classified as a Variant of Uncertain Significance.